The following is an entry in ClinVar:

ClinVar aggregate classification (germline): Uncertain significance. Review status: criteria provided, multiple submitters, no conflicts (2 of 4 stars). 2 submissions from 2 submitters: Uncertain significance (2). Last evaluated 2026-04-23.

Conditions:
Hereditary cancer-predisposing syndrome. Also called: Hereditary Cancer Syndrome; Tumor predisposition; Hereditary neoplastic syndrome; Neoplastic Syndromes, Hereditary. Identifiers: Orphanet 140162, MedGen C0027672, MeSH D009386, MONDO:0015356.
Gorlin syndrome. Also called: Basal cell nevus syndrome; Nevoid Basal Cell Carcinoma Syndrome. Identifiers: Orphanet 377, MedGen C0004779, MONDO:0007187.

Submissions (2):

Ambry Genetics
Classification: Uncertain significance for Hereditary cancer-predisposing syndrome. Last evaluated: 2026-04-23. Review status: criteria provided, single submitter. Criteria: Ambry Variant Classification Scheme 2023. Collection method: clinical testing. Allele origin: germline.
Comment: The p.C234F variant (also known as c.701G>T), located in coding exon 5 of the PTCH1 gene, results from a G to T substitution at nucleotide position 701. The cysteine at codon 234 is replaced by phenylalanine, an amino acid with highly dissimilar properties. This amino acid position is conserved. In addition, this alteration is predicted to be deleterious by in silico analysis. Based on the available evidence, the clinical significance of this variant remains unclear.

Labcorp Genetics (formerly Invitae), Labcorp
Classification: Uncertain significance for Gorlin syndrome. Last evaluated: 2016-07-31. Review status: criteria provided, single submitter. Criteria: Invitae Variant Classification Sherloc (09022015). Collection method: clinical testing. Allele origin: germline.
Comment: In summary, this variant is a novel missense change with uncertain impact on protein function. It has been classified as a Variant of Uncertain Significance. Algorithms developed to predict the effect of missense changes on protein structure and function (SIFT, PolyPhen-2, Align-GVGD) all suggest that this variant is likely to be disruptive, but these predictions have not been confirmed by published functional studies. This variant is not present in population databases (ExAC no frequency) and has not been reported in the literature in individuals with a PTCH1-related disease. This sequence change replaces cysteine with phenylalanine at codon 234 of the PTCH1 protein (p.Cys234Phe). The cysteine residue is highly conserved and there is a large physicochemical difference between cysteine and phenylalanine.

NM_000264.5(PTCH1):c.701G>T (p.Cys234Phe)

Gene: PTCH1 (patched 1; minus strand). Cytogenetic location: 9q22.32.
Variant type: single nucleotide variant.
Coding change: c.701G>T on transcript NM_000264.5 (MANE Select); coding-DNA position 701, G replaced by T.
Protein change: p.Cys234Phe; replaces cysteine 234 with phenylalanine.
Molecular consequence: missense variant. On other transcripts: non-coding transcript variant (1).
Genome position (GRCh38, 1-based): chr9:95,481,994, C>A on the plus strand (G>T on the coding strand, the complement: PTCH1 is on the minus strand). VCF-style: chr9-95481994-C-A. GRCh37 (hg19) VCF-style: chr9-98244276-C-A.
Other names: c.503G>T, p.Cys168Phe (NM_001083602.3, NM_001354919.2); c.698G>T, p.Cys233Phe (NM_001083603.3); c.248G>T, p.Cys83Phe (NM_001083604.3, NM_001083605.3, NM_001083606.3 and 1 more transcripts); c.701G>T, p.Cys234Phe (NM_001354918.2); short protein forms C168F, C234F, C233F, C83F.
Identifiers: ClinVar variation 409214 (VCV000409214.14), dbSNP rs1060502299, ClinGen allele CA16612876.
Genomic context (GRCh38, chr9:95,481,994, plus strand): 5'-TGATCACACACTTACAGGAGGTATGCTGTCCCAGACTGTAATTTCGCCCCTTCCCAGAAG[C>A]AGTCCAAAGGTGTAATAATCAAACAAGGGTAAAGATATTCTATTATCTGTCAAAGTTAAA-3'
Protein context (NP_000255.2, residues 224-244): YPCLIITPLD[Cys234Phe]FWEGAKLQSG